The following is an entry in ClinVar:

ClinVar aggregate classification (germline): Conflicting classifications of pathogenicity. Review status: criteria provided, conflicting classifications (1 of 4 stars). 2 submissions from 2 submitters: Uncertain significance (1); Likely benign (1). Last evaluated 2026-05-01.

Conditions:
Hereditary cancer-predisposing syndrome. Also called: Tumor predisposition; Hereditary Cancer Syndrome; Hereditary neoplastic syndrome; Neoplastic Syndromes, Hereditary. Identifiers: Orphanet 140162, MedGen C0027672, MeSH D009386, MONDO:0015356.
Hereditary breast ovarian cancer syndrome. Also called: Hereditary breast and/or ovarian cancer syndrome; Hereditary breast and ovarian cancer syndrome; Hereditary breast and ovarian cancer syndrome (HBOC); BRCA1- and BRCA2-Associated Hereditary Breast and Ovarian Cancer; Hereditary breast and ovarian cancer; Breast and ovarian cancer. Identifiers: Orphanet 145, MedGen C0677776, MeSH D061325, MONDO:0003582. Disease mechanism: loss of function.

Allele frequency attached by ClinVar (database versions not stated): gnomAD exomes below 0.00001.
gnomAD v4.1: 1 of 1,613,588 alleles (0.000062%); highest among the groups gnomAD compares: East Asian, 0.0022%; no homozygotes.

Submissions (2):

Ambry Genetics
Classification: Likely benign for Hereditary cancer-predisposing syndrome. Last evaluated: 2026-05-01. Review status: criteria provided, single submitter. Criteria: Ambry Variant Classification Scheme 2023. Collection method: clinical testing. Allele origin: germline.

Labcorp Genetics (formerly Invitae), Labcorp
Classification: Uncertain significance for Hereditary breast ovarian cancer syndrome. Last evaluated: 2022-03-28. Review status: criteria provided, single submitter. Criteria: Invitae Variant Classification Sherloc (09022015). Collection method: clinical testing. Allele origin: germline.
Comment: In summary, the available evidence is currently insufficient to determine the role of this variant in disease. Therefore, it has been classified as a Variant of Uncertain Significance. Advanced modeling of protein sequence and biophysical properties (such as structural, functional, and spatial information, amino acid conservation, physicochemical variation, residue mobility, and thermodynamic stability) performed at Invitae indicates that this missense variant is not expected to disrupt BRCA2 protein function. This variant has not been reported in the literature in individuals affected with BRCA2-related conditions. This variant is present in population databases (no rsID available, gnomAD 0.006%). This sequence change replaces proline, which is neutral and non-polar, with serine, which is neutral and polar, at codon 2 of the BRCA2 protein (p.Pro2Ser).

NM_000059.4(BRCA2):c.4C>T (p.Pro2Ser)

Gene: BRCA2 (BRCA2 DNA repair associated; plus strand). Cytogenetic location: 13q13.1.
Variant type: single nucleotide variant.
Coding change: c.4C>T on transcript NM_000059.4 (MANE Select); coding-DNA position 4, C replaced by T.
Protein change: p.Pro2Ser; replaces proline 2 with serine.
Molecular consequence: missense variant.
Genome position (GRCh38, 1-based): chr13:32,316,464, C>T. VCF-style: chr13-32316464-C-T. GRCh37 (hg19) VCF-style: chr13-32890601-C-T.
Other names: c.4C>T, p.Pro2Ser (NM_001406719.1, NM_001406720.1, NM_001406721.1); short protein forms P2S.
Identifiers: ClinVar variation 2118901 (VCV002118901.5), dbSNP rs1266625701, ClinGen allele CA387752885.